The following is an entry in ClinVar:

ClinVar aggregate classification (germline): Uncertain significance (1 of 4 stars; one submission).

Conditions:
Alstrom syndrome (ALMS). Identifiers: Orphanet 64, MedGen C0268425, MONDO:0008763, OMIM 203800.

Allele frequency attached by ClinVar (database versions not stated): ExAC 0.00001; gnomAD exomes 0.00001.
gnomAD v4.1: 3 of 1,614,082 alleles (0.00019%); highest among the groups gnomAD compares: East Asian, 0.0067%; no homozygotes.

Submission:

Labcorp Genetics (formerly Invitae), Labcorp
Classification: Uncertain significance for Alstrom syndrome. Last evaluated: 2022-06-01. Review status: criteria provided, single submitter. Criteria: Invitae Variant Classification Sherloc (09022015). Collection method: clinical testing. Allele origin: germline.
Comment: This sequence change replaces isoleucine, which is neutral and non-polar, with methionine, which is neutral and non-polar, at codon 2544 of the ALMS1 protein (p.Ile2544Met). This variant is present in population databases (rs765176723, gnomAD 0.02%). This variant has not been reported in the literature in individuals affected with ALMS1-related conditions. Experimental studies and prediction algorithms are not available or were not evaluated, and the functional significance of this variant is currently unknown. In summary, the available evidence is currently insufficient to determine the role of this variant in disease. Therefore, it has been classified as a Variant of Uncertain Significance.

NM_001378454.1(ALMS1):c.7629C>G (p.Ile2543Met)

Gene: ALMS1 (ALMS1 centrosome and basal body associated protein; plus strand). Cytogenetic location: 2p13.1.
Variant type: single nucleotide variant.
Coding change: c.7629C>G on transcript NM_001378454.1 (MANE Select); coding-DNA position 7629, C replaced by G.
Protein change: p.Ile2543Met; replaces isoleucine 2543 with methionine.
Molecular consequence: missense variant.
Genome position (GRCh38, 1-based): chr2:73,455,250, C>G. VCF-style: chr2-73455250-C-G. GRCh37 (hg19) VCF-style: chr2-73682377-C-G.
Other names: c.7632C>G, p.Ile2544Met (NM_015120.4); short protein forms I2543M, I2544M.
Identifiers: ClinVar variation 2423881 (VCV002423881.3), dbSNP rs765176723, ClinGen allele CA1714283.